The following is an entry in ClinVar:

NM_001366145.2(TRPM3):c.223G>A (p.Val75Ile)

Gene: TRPM3 (transient receptor potential cation channel subfamily M member 3; minus strand). Cytogenetic location: 9q21.12.
Variant type: single nucleotide variant.
Coding change: c.223G>A on transcript NM_001366145.2 (MANE Select); coding-DNA position 223, G replaced by A.
Protein change: p.Val75Ile; replaces valine 75 with isoleucine.
Molecular consequence: missense variant. On other transcripts: 5 prime UTR variant (9).
Genome position (GRCh38, 1-based): chr9:70,864,466, C>T on the plus strand (G>A on the coding strand, the complement: TRPM3 is on the minus strand). VCF-style: chr9-70864466-C-T. GRCh37 (hg19) VCF-style: chr9-73479382-C-T.
Other names: c.-237G>A (NM_001007470.3, NM_001366154.2, NM_020952.6 and 6 more transcripts); c.223G>A, p.Val75Ile (NM_001007471.4, NM_001366146.2, NM_001366147.2 and 6 more transcripts); c.229G>A, p.Val77Ile (NM_001366141.2, NM_001366142.2, NM_001366143.2 and 1 more transcripts); short protein forms V75I, V77I.
Identifiers: ClinVar variation 2682280 (VCV002682280.1), dbSNP rs2540422882, ClinGen allele CA373561179.

ClinVar aggregate classification (germline): Uncertain significance (1 of 4 stars; one submission).

Submission:

Women's Health and Genetics/Laboratory Corporation of America, LabCorp
Classification: Uncertain significance. Last evaluated: 2023-11-27. Review status: criteria provided, single submitter. Criteria: LabCorp Variant Classification Summary - May 2015. Collection method: clinical testing. Allele origin: germline.
Comment: Variant summary: TRPM3 c.-237G>A is located in the untranslated mRNA region upstream of the initiation codon and corresponds to c.223G>A (p.Val75Ile) in NM_001007471. This variant was absent in 177534 control chromosomes (gnomAD). The available data on variant occurrences in the general population are insufficient to allow any conclusion about variant significance. To our knowledge, no occurrence of c.-237G>A in individuals affected with Neurodevelopmental Disorder With Hypotonia, Dysmorphic Facies, And Skeletal Anomalies, With Or Without Seizures and no experimental evidence demonstrating its impact on protein function have been reported. No submitters have cited clinical-significance assessments for this variant to ClinVar after 2014. Based on the evidence outlined above, the variant was classified as uncertain significance.